The following is an entry in ClinVar:

NM_000051.4(ATM):c.6904A>G (p.Lys2302Glu)

Genes: ATM (ATM serine/threonine kinase; plus strand), C11orf65 (chromosome 11 open reading frame 65; minus strand). Cytogenetic location: 11q22.3.
Variant type: single nucleotide variant.
Coding change: c.6904A>G on transcript NM_000051.4 (MANE Select); coding-DNA position 6904, A replaced by G.
Protein change: p.Lys2302Glu; replaces lysine 2302 with glutamic acid.
Molecular consequence: missense variant. On other transcripts: intron variant (2).
Genome position (GRCh38, 1-based): chr11:108,326,154, A>G. VCF-style: chr11-108326154-A-G. GRCh37 (hg19) VCF-style: chr11-108196881-A-G.
Other names: c.6904A>G, p.Lys2302Glu (NM_001351834.2); c.641-17083T>C (NM_001330368.2); c.*38+9066T>C (NM_001351110.2); short protein forms K2302E.
Identifiers: ClinVar variation 861358 (VCV000861358.10), dbSNP rs2085658893, ClinGen allele CA382556976.

ClinVar aggregate classification (germline): Uncertain significance (1 of 4 stars; one submission).

Conditions:
Ataxia-telangiectasia syndrome (AT). Also called: ATAXIA-TELANGIECTASIA, COMPLEMENTATION GROUP A; ATAXIA-TELANGIECTASIA, FRESNO VARIANT; Ataxia-telangiectasia; Ataxia-telangiectasia, complementation group D; AT, COMPLEMENTATION GROUP C; Ataxia-telangiectasia, complementation group E. Identifiers: Orphanet 100, MedGen C0004135, MONDO:0008840, OMIM 208900.

Allele frequency attached by ClinVar (database versions not stated): gnomAD exomes below 0.00001.
gnomAD v4.1: 1 of 1,614,202 alleles (0.000062%); highest among the groups gnomAD compares: South Asian, 0.0011%; no homozygotes.

Submission:

Labcorp Genetics (formerly Invitae), Labcorp
Classification: Uncertain significance for Ataxia-telangiectasia syndrome. Last evaluated: 2025-12-03. Review status: criteria provided, single submitter. Criteria: Invitae Variant Classification Sherloc (09022015). Collection method: clinical testing. Allele origin: germline.
Comment: This sequence change replaces lysine, which is basic and polar, with glutamic acid, which is acidic and polar, at codon 2302 of the ATM protein (p.Lys2302Glu). This variant is not present in population databases (gnomAD no frequency). This variant has not been reported in the literature in individuals affected with ATM-related conditions. ClinVar contains an entry for this variant (Variation ID: 861358). Invitae Evidence Modeling of protein sequence and biophysical properties (such as structural, functional, and spatial information, amino acid conservation, physicochemical variation, residue mobility, and thermodynamic stability) has been performed for this missense variant. However, the output from this modeling did not meet the statistical confidence thresholds required to predict the impact of this variant on ATM protein function. In summary, the available evidence is currently insufficient to determine the role of this variant in disease. Therefore, it has been classified as a Variant of Uncertain Significance.